The following is an entry in ClinVar:

ClinVar aggregate classification (germline): Benign/Likely benign. Review status: criteria provided, multiple submitters, no conflicts (2 of 4 stars). 4 submissions from 4 submitters: Benign (1); Likely benign (3). Last evaluated 2026-01-19.

Conditions:
Deficiency of butyryl-CoA dehydrogenase (ACADSD). Also called: SCAD DEFICIENCY, MILD; ACYL-CoA DEHYDROGENASE, SHORT-CHAIN, DEFICIENCY OF; SCADH DEFICIENCY; ACADS DEFICIENCY; Short-Chain Acyl-CoA Dehydrogenase Deficiency; SCAD Deficiency. Identifiers: Orphanet 26792, MedGen C0342783, MONDO:0008722, OMIM 201470. Disease mechanism: May be benign.

Allele frequency attached by ClinVar (database versions not stated): gnomAD 0.00244 and 0.00256; TOPMed 0.00276; ESP Exome Variant Server 0.00277; 1000 Genomes Project 0.00280; 1000 Genomes Project 30x 0.00312.
gnomAD v4.1: 795 of 1,607,440 alleles (0.049%); highest among the groups gnomAD compares: African/African-American, 0.93%; 5 homozygotes.

Submissions (4):

Labcorp Genetics (formerly Invitae), Labcorp
Classification: Benign for Deficiency of butyryl-CoA dehydrogenase. Last evaluated: 2026-01-19. Review status: criteria provided, single submitter. Criteria: Invitae Variant Classification Sherloc (09022015). Collection method: clinical testing. Allele origin: germline.

Illumina Laboratory Services, Illumina
Classification: Likely benign for Deficiency of butyryl-CoA dehydrogenase. Last evaluated: 2018-01-12. Review status: criteria provided, single submitter. Criteria: ICSL Variant Classification Criteria 13 December 2019. Collection method: clinical testing. Allele origin: germline.
Comment: This variant was observed in the ICSL laboratory as part of a predisposition screen in an ostensibly healthy population. It had not been previously curated by ICSL or reported in the Human Gene Mutation Database (HGMD: prior to June 1st, 2018), and was therefore a candidate for classification through an automated scoring system. Utilizing variant allele frequency, disease prevalence and penetrance estimates, and inheritance mode, an automated score was calculated to assess if this variant is too frequent to cause the disease. Based on the score and internal cut-off values, a variant classified as likely benign is not then subjected to further curation. The score for this variant resulted in a classification of likely benign for this disease.

GeneDx
Classification: Likely benign. Last evaluated: 2016-05-10. Review status: criteria provided, single submitter. Criteria: GeneDx Variant Classification (06012015). Collection method: clinical testing. Allele origin: germline. Affected: yes.
Comment: This variant is considered likely benign or benign based on one or more of the following criteria: it is a conservative change, it occurs at a poorly conserved position in the protein, it is predicted to be benign by multiple in silico algorithms, and/or has population frequency not consistent with disease.

Breakthrough Genomics
Classification: Likely benign. Review status: criteria provided, single submitter. Criteria: ACMG Guidelines, 2015. Collection method: not provided. Allele origin: germline. Inheritance: Autosomal recessive inheritance. Affected: yes.

NM_000017.4(ACADS):c.796-14G>C

Gene: ACADS (acyl-CoA dehydrogenase short chain; plus strand). Cytogenetic location: 12q24.31.
Variant type: single nucleotide variant.
Coding change: c.796-14G>C on transcript NM_000017.4 (MANE Select); 14 bases into the intron before coding-DNA position 796, G replaced by C.
Molecular consequence: intron variant.
Genome position (GRCh38, 1-based): chr12:120,738,519, G>C. VCF-style: chr12-120738519-G-C. GRCh37 (hg19) VCF-style: chr12-121176322-G-C.
Other names: c.784-14G>C (NM_001302554.2).
Identifiers: ClinVar variation 307440 (VCV000307440.14), dbSNP rs201420791, ClinGen allele CA6831069.